The following is an entry in ClinVar:

NM_004260.4(RECQL4):c.215C>T (p.Ala72Val)

Gene: RECQL4 (RecQ like helicase 4; minus strand). Cytogenetic location: 8q24.3.
Variant type: single nucleotide variant.
Coding change: c.215C>T on transcript NM_004260.4 (MANE Select); coding-DNA position 215, C replaced by T.
Protein change: p.Ala72Val; replaces alanine 72 with valine.
Molecular consequence: missense variant.
Genome position (GRCh38, 1-based): chr8:144,517,189, G>A on the plus strand (C>T on the coding strand, the complement: RECQL4 is on the minus strand). VCF-style: chr8-144517189-G-A. GRCh37 (hg19) VCF-style: chr8-145742573-G-A.
Other names: short protein forms A72V.
Identifiers: ClinVar variation 406973 (VCV000406973.13), dbSNP rs763453097, ClinGen allele CA4949421.
Genomic context (GRCh38, chr8:144,517,189, plus strand): 5'-GACTGTGGACTCTTGGTCGCAGCCCGATTCAGATGGGGCCCCCAGCAGCGGGGCTCTGGC[G>A]CCTGCAGGAGACAACAGGGGCACAGGCCAGAAAAGGCTGTTGTGGCGGCAGAAGCGCTCC-3'
Protein context (NP_004251.4, residues 62-82): SESLPAAAEE[Ala72Val]PEPRCWGPHL

ClinVar aggregate classification (germline): Conflicting classifications of pathogenicity. Review status: criteria provided, conflicting classifications (1 of 4 stars). 4 submissions from 4 submitters: Uncertain significance (3); Benign (1). Last evaluated 2025-11-05.

Conditions:
Rothmund-Thomson syndrome type 2 (RTS2). Identifiers: Orphanet 221016, MedGen C5203410, MONDO:0016369, OMIM 268400.
Ovarian cancer. Also called: OVARIAN CANCER, SOMATIC. Identifiers: Orphanet 213500, MedGen C1140680, MONDO:0008170, OMIM 167000.
Baller-Gerold syndrome (BGS). Also called: CRANIOSYNOSTOSIS WITH RADIAL DEFECTS. Identifiers: Orphanet 1225, MedGen C0265308, MONDO:0009039, OMIM 218600.

Allele frequency attached by ClinVar (database versions not stated): TOPMed 0.00004; gnomAD 0.00005 and 0.00006; gnomAD exomes 0.00006 and 0.00009; ExAC 0.00011.
gnomAD v4.1: 135 of 1,599,110 alleles (0.0084%); highest among the groups gnomAD compares: East Asian, 0.036%; no homozygotes.

Submissions (4):

Labcorp Genetics (formerly Invitae), Labcorp
Classification: Uncertain significance for Baller-Gerold syndrome. Last evaluated: 2025-11-05. Review status: criteria provided, single submitter. Criteria: Invitae Variant Classification Sherloc (09022015). Collection method: clinical testing. Allele origin: germline.
Comment: This sequence change replaces alanine, which is neutral and non-polar, with valine, which is neutral and non-polar, at codon 72 of the RECQL4 protein (p.Ala72Val). This variant is present in population databases (rs763453097, gnomAD 0.04%). This variant has not been reported in the literature in individuals affected with RECQL4-related conditions. ClinVar contains an entry for this variant (Variation ID: 406973). An algorithm developed to predict the effect of missense changes on protein structure and function outputs the following: PolyPhen-2: "Not Available". The valine amino acid residue is found in multiple mammalian species, which suggests that this missense change does not adversely affect protein function. In summary, the available evidence is currently insufficient to determine the role of this variant in disease. Therefore, it has been classified as a Variant of Uncertain Significance.

GeneDx
Classification: Uncertain significance. Last evaluated: 2024-05-24. Review status: criteria provided, single submitter. Criteria: GeneDx Variant Classification Process June 2021. Collection method: clinical testing. Allele origin: germline. Affected: yes.
Comment: In silico analysis indicates that this missense variant does not alter protein structure/function; Observed in an individual with colorectal cancer (PMID: 31360874); This variant is associated with the following publications: (PMID: 29641532, 31360874)

Laboratory of Molecular Epidemiology of Birth Defects, West China Second University Hospital, Sichuan University
Classification: Benign for Ovarian cancer. Last evaluated: 2022-01-01. Review status: criteria provided, single submitter. Criteria: ACMG Guidelines, 2015. Collection method: clinical testing. Allele origin: germline. Affected: yes.

St. Jude Molecular Pathology, St. Jude Children's Research Hospital
Classification: Uncertain significance for Rothmund-Thomson syndrome type 2. Last evaluated: 2021-06-24. Review status: criteria provided, single submitter. Criteria: St. Jude Assertion Criteria 2020. Collection method: clinical testing. Allele origin: germline.
Comment: The RECQL4 c.215C>T (p.Ala72Val) missense change is present at a maximum subpopulation frequency of 0.039% in gnomAD v2.1.1. In silico tools predict a benign effect of this variant on protein function (BP4), but to our knowledge these predictions have not been confirmed by functional assays. To our knowledge, this variant has not been reported in individuals with RECQL4-associated disorders. In summary, this variant meets criteria to be classified as of uncertain significance based on the ACMG/AMP criteria: BP4.